The following is an entry in ClinVar:

ClinVar aggregate classification (germline): Uncertain significance (1 of 4 stars; one submission).

Conditions:
Deficiency of adenosine deaminase 2. Also called: Polyarteritis nodosa, childhoood-onset; Adenosine Deaminase 2 Deficiency; VASCULITIS, AUTOINFLAMMATION, IMMUNODEFICIENCY, AND HEMATOLOGIC DEFECTS SYNDROME. Identifiers: Orphanet 404553, MedGen C3887654, MONDO:0014306, OMIM 615688, MONDO:0100317.

gnomAD v4.1: 1 of 1,611,872 alleles (0.000062%); highest among the groups gnomAD compares: Non-Finnish European, 0.000085%; no homozygotes.

Submission:

Labcorp Genetics (formerly Invitae), Labcorp
Classification: Uncertain significance for Deficiency of adenosine deaminase 2. Last evaluated: 2021-08-04. Review status: criteria provided, single submitter. Criteria: Invitae Variant Classification Sherloc (09022015). Collection method: clinical testing. Allele origin: germline.
Comment: This sequence change replaces aspartic acid with tyrosine at codon 4 of the ADA2 protein (p.Asp4Tyr). The aspartic acid residue is weakly conserved and there is a large physicochemical difference between aspartic acid and tyrosine. This variant is not present in population databases (ExAC no frequency). This variant has not been reported in the literature in individuals with ADA2-related conditions. Algorithms developed to predict the effect of missense changes on protein structure and function (SIFT, PolyPhen-2, Align-GVGD) all suggest that this variant is likely to be tolerated, but these predictions have not been confirmed by published functional studies and their clinical significance is uncertain. Algorithms developed to predict the effect of sequence changes on RNA splicing suggest that this variant may create or strengthen a splice site, but this prediction has not been confirmed by published transcriptional studies. In summary, the available evidence is currently insufficient to determine the role of this variant in disease. Therefore, it has been classified as a Variant of Uncertain Significance.

NM_001282225.2(ADA2):c.10G>T (p.Asp4Tyr)

Gene: ADA2 (adenosine deaminase 2; minus strand). Cytogenetic location: 22q11.1.
Variant type: single nucleotide variant.
Coding change: c.10G>T on transcript NM_001282225.2 (MANE Select); coding-DNA position 10, G replaced by T.
Protein change: p.Asp4Tyr; replaces aspartic acid 4 with tyrosine.
Molecular consequence: missense variant. On other transcripts: intron variant (3).
Genome position (GRCh38, 1-based): chr22:17,209,668, C>A on the plus strand (G>T on the coding strand, the complement: ADA2 is on the minus strand). VCF-style: chr22-17209668-C-A. GRCh37 (hg19) VCF-style: chr22-17690558-C-A.
Other names: c.10G>T, p.Asp4Tyr (NM_001282226.2); c.-47-70G>T (NM_001282227.2, NM_001282228.2); c.-38-2378G>T (NM_001282229.2); short protein forms D4Y.
Identifiers: ClinVar variation 1042789 (VCV001042789.8), dbSNP rs370257828, ClinGen allele CA410231248.